The following is an entry in ClinVar:

ClinVar aggregate classification (germline): Likely benign. Review status: criteria provided, multiple submitters, no conflicts (2 of 4 stars). 2 submissions from 2 submitters: Likely benign (2). Last evaluated 2025-10-01.

gnomAD v4.1: 2,777 of 1,613,830 alleles (0.17%); highest among the groups gnomAD compares: Non-Finnish European, 0.22%; 3 homozygotes.

Submissions (2):

CeGaT Center for Human Genetics Tuebingen
Classification: Likely benign. Last evaluated: 2025-10-01. Review status: criteria provided, single submitter. Criteria: CeGaT Center For Human Genetics Tuebingen Variant Classification Criteria Version 2. Collection method: clinical testing. Allele origin: germline. Affected: yes. Observed: 2 variant alleles.
Comment: ACAN: BP4, BP7

Blueprint Genetics
Classification: Likely benign. Last evaluated: 2024-11-08. Review status: criteria provided, single submitter. Criteria: ACMG Guidelines, 2015. Collection method: clinical testing. Allele origin: germline.

NM_001369268.1(ACAN):c.5967C>T (p.Ser1989=)

Gene: ACAN (aggrecan; plus strand). Cytogenetic location: 15q26.1.
Variant type: single nucleotide variant.
Coding change: c.5967C>T on transcript NM_001369268.1 (MANE Select); coding-DNA position 5967, C replaced by T.
Protein change: p.Ser1989=; no amino-acid change (serine 1989 retained).
Molecular consequence: synonymous variant.
Genome position (GRCh38, 1-based): chr15:88,858,552, C>T. VCF-style: chr15-88858552-C-T. GRCh37 (hg19) VCF-style: chr15-89401783-C-T.
Other names: c.5967C>T, p.Ser1989= (NM_001135.4, NM_001411096.1, NM_001411097.1 and 1 more transcripts).
Identifiers: ClinVar variation 4083610 (VCV004083610.9).